The following is an entry in ClinVar:

ClinVar aggregate classification (germline): Benign/Likely benign. Review status: criteria provided, multiple submitters, no conflicts (2 of 4 stars). 3 submissions from 3 submitters: Benign (1); Likely benign (2). Last evaluated 2024-07-24.

Conditions:
Hereditary cancer-predisposing syndrome. Also called: Hereditary neoplastic syndrome; Hereditary Cancer Syndrome; Neoplastic Syndromes, Hereditary; Tumor predisposition. Identifiers: Orphanet 140162, MedGen C0027672, MeSH D009386, MONDO:0015356.
Familial cancer of breast. Also called: Hereditary breast cancer; hereditary breast carcinoma; BREAST CANCER, FAMILIAL. Identifiers: Orphanet 227535, MedGen C0346153, MONDO:0016419, OMIM 114480. Disease mechanism: loss of function.

Submissions (3):

Myriad Genetics, Inc.
Classification: Benign for Familial cancer of breast. Last evaluated: 2024-07-24. Review status: criteria provided, single submitter. Criteria: Myriad Autosomal Dominant, Autosomal Recessive and X-Linked Classification Criteria (2023). Collection method: clinical testing. Allele origin: unknown.
Comment: This variant is considered benign. This variant is a silent/synonymous amino acid change and it is not expected to impact splicing.

Ambry Genetics
Classification: Likely benign for Hereditary cancer-predisposing syndrome. Last evaluated: 2022-06-24. Review status: criteria provided, single submitter. Criteria: Ambry Variant Classification Scheme 2023. Collection method: clinical testing. Allele origin: germline.

Labcorp Genetics (formerly Invitae), Labcorp
Classification: Likely benign for Familial cancer of breast. Last evaluated: 2020-12-15. Review status: criteria provided, single submitter. Criteria: Invitae Variant Classification Sherloc (09022015). Collection method: clinical testing. Allele origin: germline.

NM_000465.4(BARD1):c.1125A>T (p.Thr375=)

Gene: BARD1 (BRCA1 associated RING domain 1; minus strand). Cytogenetic location: 2q35.
Variant type: single nucleotide variant.
Coding change: c.1125A>T on transcript NM_000465.4 (MANE Select); coding-DNA position 1125, A replaced by T.
Protein change: p.Thr375=; no amino-acid change (threonine 375 retained).
Molecular consequence: synonymous variant. On other transcripts: non-coding transcript variant (2), intron variant (3).
Genome position (GRCh38, 1-based): chr2:214,780,749, T>A on the plus strand (A>T on the coding strand, the complement: BARD1 is on the minus strand). VCF-style: chr2-214780749-T-A. GRCh37 (hg19) VCF-style: chr2-215645473-T-A.
Other names: c.1068A>T, p.Thr356= (NM_001282543.2); c.159-28194A>T (NM_001282548.2); c.215+16312A>T (NM_001282545.2); c.364+11548A>T (NM_001282549.2).
Identifiers: ClinVar variation 1597941 (VCV001597941.12), dbSNP rs1553622237, ClinGen allele CA431392001.